The following is an entry in ClinVar:

ClinVar aggregate classification (germline): Conflicting classifications of pathogenicity. Review status: criteria provided, conflicting classifications (1 of 4 stars). 2 submissions from 2 submitters: Likely pathogenic (1); Uncertain significance (1). Last evaluated 2024-04-17.

Conditions:
Myofibrillar myopathy 4. Also called: Zaspopathy (type). Identifiers: Orphanet 98912, MedGen C4721886, MONDO:0012277, OMIM 609452.

Submissions (2):

Labcorp Genetics (formerly Invitae), Labcorp
Classification: Likely pathogenic for Myofibrillar myopathy 4. Last evaluated: 2024-04-17. Review status: criteria provided, single submitter. Criteria: Invitae Variant Classification Sherloc (09022015). Collection method: clinical testing. Allele origin: germline.
Comment: The LDB3 gene has multiple clinically relevant transcripts. This variant occurs in alternate transcript NM_007078.3, and corresponds to NM_001080116.1:c.93+1G>T in the primary transcript. This sequence change affects a donor splice site in intron 2 of the LDB3 gene. It is expected to disrupt RNA splicing on both transcripts. Variants that disrupt the donor or acceptor splice site typically lead to a loss of protein function (PMID: 16199547); however, loss-of-function variants in LDB3 are only known to be pathogenic in the alternate transcript (PMID: 36253531). This variant is not present in population databases (gnomAD no frequency). This variant has not been reported in the literature in individuals affected with LDB3-related conditions. ClinVar contains an entry for this variant (Variation ID: 179706). Algorithms developed to predict the effect of sequence changes on RNA splicing suggest that this variant may disrupt the consensus splice site. In summary, the currently available evidence indicates that the variant is pathogenic, but additional data are needed to prove that conclusively. Therefore, this variant has been classified as Likely Pathogenic.

Laboratory for Molecular Medicine, Mass General Brigham Personalized Medicine
Classification: Uncertain significance. Last evaluated: 2014-05-01. Review status: criteria provided, single submitter. Criteria: LMM Criteria. Collection method: clinical testing. Allele origin: germline. Observed: 1 variant allele.
Comment: Variant classified as Uncertain Significance - Favor Pathogenic. The 93+1G>T var iant in LDB3 has not been previously reported in any other families with cardiom yopathy or myopathy. It was also absent from large population studies. This vari ant occurs in the invariant region (+/- 1, 2) of the splice consensus sequence a nd is predicted to cause altered splicing leading to an abnormal or absent prote in. Mouse studies indicate that the spectrum of phenotypes resulting from homozy gous loss-of-function (LOF) of LDB3 include DCM and congenital myopathy (Zhou 20 01, Zheng 2009), however heterozygous LOF has not been well studied. Our laborat ory has previously identified 5 predicted LOF variants that are also expected to lead to an abnormal or absent protein; 1 was identified in a heterozygous adult with VT and SCA, 1 was identified in a heterozygous infant with DCM, 3 were ide ntified in compound heterozygous or homozygous infant with DCM +/- noncompaction . In summary, the predicted impact to the protein increases the likelihood that this variant is pathogenic, but additional studies are required to fully establi sh its clinical significance.

Literature cited by the submitters: PubMed 16199547 (cited by Labcorp Genetics (formerly Invitae), Labcorp); PubMed 36253531 (cited by Labcorp Genetics (formerly Invitae), Labcorp); PubMed 19028670 (cited by Laboratory for Molecular Medicine, Mass General Brigham Personalized Medicine); PubMed 11696561 (cited by Laboratory for Molecular Medicine, Mass General Brigham Personalized Medicine).

NM_007078.3(LDB3):c.93+1G>T

Gene: LDB3 (LIM domain binding 3; plus strand). Cytogenetic location: 10q23.2.
Variant type: single nucleotide variant.
Coding change: c.93+1G>T on transcript NM_007078.3 (MANE Select); the canonical splice donor site of the intron after coding-DNA position 93, G replaced by T.
Molecular consequence: splice donor variant.
Genome position (GRCh38, 1-based): chr10:86,668,785, G>T. VCF-style: chr10-86668785-G-T. GRCh37 (hg19) VCF-style: chr10-88428542-G-T.
Other names: c.93+1G>T (NM_001368064.1, NM_001368063.1, NM_001368068.1 and 8 more transcripts).
Identifiers: ClinVar variation 179706 (VCV000179706.7), dbSNP rs727505066, ClinGen allele CA184967.